The following is an entry in ClinVar:

NM_000158.4(GBE1):c.26del (p.Ala9fs)

Gene: GBE1 (1,4-alpha-glucan branching enzyme 1; minus strand). Cytogenetic location: 3p12.2.
Variant type: Deletion.
Coding change: c.26del on transcript NM_000158.4 (MANE Select); coding-DNA position 26, one base deleted (C; older notation c.26delC).
Protein change: p.Ala9fs; shifts the reading frame from alanine 9.
Molecular consequence: frameshift variant.
Genome position (GRCh38, 1-based): chr3:81,761,492, G deleted on the plus strand (C on the coding strand, the reverse complement: GBE1 is on the minus strand). VCF-style (leftmost placement, unchanged base first): chr3-81761491-AG-A. GRCh37 (hg19) VCF-style: chr3-81810642-AG-A.
Other names: c.26del (NM_000158.3); short protein forms A9fs.
Identifiers: ClinVar variation 2926069 (VCV002926069.6), dbSNP rs1391883361, ClinGen allele CA911064254.

ClinVar aggregate classification (germline): Pathogenic/Likely pathogenic. Review status: criteria provided, multiple submitters, no conflicts (2 of 4 stars). 4 submissions from 4 submitters: Pathogenic (1); Likely pathogenic (3). Last evaluated 2024-09-17.

Conditions:
GBE1-related disorder. Also called: GBE1-related disorders; GBE1-related condition. Identifiers: MedGen CN239402.
Glycogen storage disease, type IV (GSD4). Also called: AMYLOPECTINOSIS; ANDERSEN DISEASE; BRANCHER DEFICIENCY; CIRRHOSIS, FAMILIAL, WITH DEPOSITION OF ABNORMAL GLYCOGEN; Glycogen storage disease due to glycogen branching enzyme deficiency; GBE1 DEFICIENCY. Identifiers: Orphanet 367, MedGen C0017923, MONDO:0009292, OMIM 232500.
Glycogen storage disease IV, classic hepatic. Also called: GSD IV, CLASSIC HEPATIC. Identifiers: MedGen C1856301.

Allele frequency attached by ClinVar (database versions not stated): TOPMed below 0.00001.

Submissions (4):

Natera, Inc.
Classification: Likely pathogenic for Glycogen storage disease type IV. Last evaluated: 2024-09-17. Review status: criteria provided, single submitter. Criteria: Natera Variant Classification Schema (03/2026). Collection method: clinical testing. Allele origin: germline.
Comment: The c.26del variant in GBE1 is a frameshift variant predicted to shift the reading frame beginning at codon 9 and leads to a stop codon 30 codons downstream. This variant is expected to result in nonsense mediated decay, truncation, or a dysfunctional protein product. This variant is rare in the general population with a frequency below the threshold expected for the associated phenotype(s). Given the available evidence, this variant is classified as Likely Pathogenic.

Baylor Genetics
Classification: Likely pathogenic for Glycogen storage disease, type IV. Last evaluated: 2024-03-19. Review status: criteria provided, single submitter. Criteria: ACMG Guidelines, 2015. Collection method: clinical testing. Allele origin: unknown.

Labcorp Genetics (formerly Invitae), Labcorp
Classification: Pathogenic for Glycogen storage disease, type IV; Glycogen storage disease IV, classic hepatic. Last evaluated: 2023-09-15. Review status: criteria provided, single submitter. Criteria: Invitae Variant Classification Sherloc (09022015). Collection method: clinical testing. Allele origin: germline.
Comment: For these reasons, this variant has been classified as Pathogenic. This variant has not been reported in the literature in individuals affected with GBE1-related conditions. This variant is not present in population databases (gnomAD no frequency). This sequence change creates a premature translational stop signal (p.Ala9Valfs*30) in the GBE1 gene. It is expected to result in an absent or disrupted protein product. Loss-of-function variants in GBE1 are known to be pathogenic (PMID: 15452297, 20058079).

Blueprint Genetics
Classification: Likely pathogenic for GBE1-related disorders. Last evaluated: 2021-02-24. Review status: criteria provided, single submitter. Criteria: ACMG Guidelines, 2015. Collection method: clinical testing. Allele origin: germline. Affected: yes. Observed: 1 variant allele.

Literature cited by the submitters: PubMed 15452297 (cited by Labcorp Genetics (formerly Invitae), Labcorp); PubMed 20058079 (cited by Labcorp Genetics (formerly Invitae), Labcorp).